The following is an entry in ClinVar:

NM_015450.3(POT1):c.358A>G (p.Ser120Gly)

Gene: POT1 (protection of telomeres 1; minus strand). Cytogenetic location: 7q31.33.
Variant type: single nucleotide variant.
Coding change: c.358A>G on transcript NM_015450.3 (MANE Select); coding-DNA position 358, A replaced by G.
Protein change: p.Ser120Gly; replaces serine 120 with glycine.
Molecular consequence: missense variant. On other transcripts: 5 prime UTR variant (1), non-coding transcript variant (3).
Genome position (GRCh38, 1-based): chr7:124,863,538, T>C on the plus strand (A>G on the coding strand, the complement: POT1 is on the minus strand). VCF-style: chr7-124863538-T-C. GRCh37 (hg19) VCF-style: chr7-124503592-T-C.
Other names: c.358A>G (NM_015450.2); c.-36A>G (NM_001042594.2); short protein forms S120G.
Identifiers: ClinVar variation 3702607 (VCV003702607.3).

ClinVar aggregate classification (germline): Uncertain significance. Review status: criteria provided, multiple submitters, no conflicts (2 of 4 stars). 2 submissions from 2 submitters: Uncertain significance (2). Last evaluated 2025-08-26.

Conditions:
Hereditary cancer-predisposing syndrome. Also called: Neoplastic Syndromes, Hereditary; Tumor predisposition; Hereditary Cancer Syndrome; Hereditary neoplastic syndrome. Identifiers: Orphanet 140162, MedGen C0027672, MeSH D009386, MONDO:0015356.
Tumor predisposition syndrome 3 (TPDS3). Also called: Glioma susceptibility 9; LONG TELOMERE SYNDROME, POT1-RELATED; POT1 Tumor Predisposition; Melanoma, cutaneous malignant, susceptibility to, 10. Identifiers: Orphanet 618, MedGen C4014476, MONDO:0014368, OMIM 615848.

Submissions (2):

Ambry Genetics
Classification: Uncertain significance for Hereditary cancer-predisposing syndrome. Last evaluated: 2025-08-26. Review status: criteria provided, single submitter. Criteria: Ambry Variant Classification Scheme 2023. Collection method: clinical testing. Allele origin: germline.
Comment: The p.S120G variant (also known as c.358A>G), located in coding exon 4 of the POT1 gene, results from an A to G substitution at nucleotide position 358. The serine at codon 120 is replaced by glycine, an amino acid with similar properties. This amino acid position is well conserved in available vertebrate species. In addition, this alteration is predicted to be tolerated by in silico analysis. Based on the available evidence, the clinical significance of this variant remains unclear.

Labcorp Genetics (formerly Invitae), Labcorp
Classification: Uncertain significance for Tumor predisposition syndrome 3. Last evaluated: 2024-04-25. Review status: criteria provided, single submitter. Criteria: Invitae Variant Classification Sherloc (09022015). Collection method: clinical testing. Allele origin: germline.
Comment: This sequence change replaces serine, which is neutral and polar, with glycine, which is neutral and non-polar, at codon 120 of the POT1 protein (p.Ser120Gly). This variant is not present in population databases (gnomAD no frequency). This variant has not been reported in the literature in individuals affected with POT1-related conditions. Advanced modeling of protein sequence and biophysical properties (such as structural, functional, and spatial information, amino acid conservation, physicochemical variation, residue mobility, and thermodynamic stability) performed at Invitae indicates that this missense variant is not expected to disrupt POT1 protein function with a negative predictive value of 80%. RNA analysis performed to evaluate the impact of this missense change on mRNA splicing indicates it does not significantly alter splicing (Invitae). In summary, the available evidence is currently insufficient to determine the role of this variant in disease. Therefore, it has been classified as a Variant of Uncertain Significance.